The following is an entry in ClinVar:

ClinVar aggregate classification (germline): Uncertain significance (1 of 4 stars; one submission).

Conditions:
Intellectual developmental disorder with poor growth and with or without seizures or ataxia. Identifiers: MedGen C5394135, MONDO:0032930, OMIM 618808.

Allele frequency attached by ClinVar (database versions not stated): gnomAD 0.00001; TOPMed 0.00002; ExAC 0.00008; 1000 Genomes Project 30x 0.00016; 1000 Genomes Project 0.00020.
gnomAD v4.1: 26 of 1,606,068 alleles (0.0016%); highest among the groups gnomAD compares: Middle Eastern, 0.033%; no homozygotes.

Submission:

Neuberg Centre For Genomic Medicine, NCGM
Classification: Uncertain significance for Intellectual developmental disorder with poor growth and with or without seizures or ataxia. Review status: criteria provided, single submitter. Criteria: ACMG Guidelines, 2015. Collection method: clinical testing. Allele origin: germline. Inheritance: Autosomal recessive inheritance. Affected: yes.
Comment: The missense variant c.3776G>A (p.Arg1259His) in ABCA2 gene has not been reported previously as a pathogenic variant nor as a benign variant, to our knowledge. This p.Arg1259His variant has allele frequency of 0.0037% in the gnomAD and novel (not in any individuals) in 1000 genome database. The amino acid Arg at position 1259 is changed to a His changing protein sequence and it might alter its composition and physico-chemical properties. The amino acid change p.Arg1259His in ABCA2 is predicted as conserved by GERP++ and PhyloP across 100 vertebrates. For these reasons, this variant has been classified as Uncertain Significance (VUS).

NM_001606.5(ABCA2):c.3776G>A (p.Arg1259His)

Gene: ABCA2 (ATP binding cassette subfamily A member 2; minus strand). Cytogenetic location: 9q34.3.
Variant type: single nucleotide variant.
Coding change: c.3776G>A on transcript NM_001606.5 (MANE Select); coding-DNA position 3776, G replaced by A.
Protein change: p.Arg1259His; replaces arginine 1259 with histidine.
Molecular consequence: missense variant.
Genome position (GRCh38, 1-based): chr9:137,015,019, C>T on the plus strand (G>A on the coding strand, the complement: ABCA2 is on the minus strand). VCF-style: chr9-137015019-C-T. GRCh37 (hg19) VCF-style: chr9-139909471-C-T.
Other names: c.3773G>A, p.Arg1258His (NM_001411042.1); c.3866G>A, p.Arg1289His (NM_212533.3); short protein forms R1258H, R1259H, R1289H.
Identifiers: ClinVar variation 2585001 (VCV002585001.1), dbSNP rs151057522, ClinGen allele CA5354650.